The following is an entry in ClinVar:

ClinVar aggregate classification (germline): Benign (1 of 4 stars; one submission).

Allele frequency attached by ClinVar (database versions not stated): ESP Exome Variant Server 0.34430; gnomAD 0.37075; TOPMed 0.37650; ExAC 0.42178; 1000 Genomes Project 30x 0.46034; 1000 Genomes Project 0.47065.
gnomAD v4.1: 643,489 of 1,613,546 alleles (40%); highest among the groups gnomAD compares: East Asian, 74%; 133,757 homozygotes.

Submission:

Unidad de Genómica Garrahan, Hospital de Pediatría Garrahan
Classification: Benign. Last evaluated: 2024-01-24. Review status: criteria provided, single submitter. Criteria: ACMG Guidelines, 2015. Collection method: clinical testing. Allele origin: germline. Affected: no. Observed: 65 variant alleles.
Comment: This variant is classified as Benign based on local population frequency. This variant was detected in 74% of patients studied by a panel of primary immunodeficiencies. Number of patients: 65. Only high quality variants are reported.

NM_021258.4(IL22RA1):c.135G>A (p.Pro45=)

Gene: IL22RA1 (interleukin 22 receptor subunit alpha 1; minus strand). Cytogenetic location: 1p36.11.
Variant type: single nucleotide variant.
Coding change: c.135G>A on transcript NM_021258.4 (MANE Select); coding-DNA position 135, G replaced by A.
Protein change: p.Pro45=; no amino-acid change (proline 45 retained).
Molecular consequence: synonymous variant.
Genome position (GRCh38, 1-based): chr1:24,138,623, C>T on the plus strand (G>A on the coding strand, the complement: IL22RA1 is on the minus strand). VCF-style: chr1-24138623-C-T. GRCh37 (hg19) VCF-style: chr1-24465113-C-T.
Identifiers: ClinVar variation 2688368 (VCV002688368.2), dbSNP rs10903022, ClinGen allele CA689301.